The following is an entry in ClinVar:

ClinVar aggregate classification (germline): Uncertain significance. Review status: criteria provided, multiple submitters, no conflicts (2 of 4 stars). 3 submissions from 3 submitters: Uncertain significance (3). Last evaluated 2024-03-19.

Conditions:
Inborn genetic diseases. Identifiers: MedGen C0950123, MeSH D030342.
Muscular dystrophy-dystroglycanopathy (congenital with brain and eye anomalies), type a, 12 (MDDGA12). Also called: WALKER-WARBURG SYNDROME OR MUSCLE-EYE-BRAIN DISEASE, POMK-RELATED. Identifiers: Orphanet 899, MedGen C3808964, MONDO:0014101, OMIM 615249.
Limb-girdle muscular dystrophy due to POMK deficiency. Also called: MUSCULAR DYSTROPHY-DYSTROGLYCANOPATHY, LIMB-GIRDLE, POMK-RELATED; Muscular dystrophy-dystroglycanopathy (limb-girdle), type c, 12. Identifiers: Orphanet 445110, MedGen C4015184, MONDO:0014489, OMIM 616094.

Allele frequency attached by ClinVar (database versions not stated): TOPMed 0.00002.
gnomAD v4.1: 29 of 1,614,146 alleles (0.0018%); highest among the groups gnomAD compares: Admixed American, 0.005%; 1 homozygote.

Submissions (3):

Ambry Genetics
Classification: Uncertain significance for Inborn genetic diseases. Last evaluated: 2024-03-19. Review status: criteria provided, single submitter. Criteria: Ambry Variant Classification Scheme 2023. Collection method: clinical testing. Allele origin: germline.

Labcorp Genetics (formerly Invitae), Labcorp
Classification: Uncertain significance for Muscular dystrophy-dystroglycanopathy (congenital with brain and eye anomalies), type a, 12; Limb-girdle muscular dystrophy due to POMK deficiency. Last evaluated: 2023-11-27. Review status: criteria provided, single submitter. Criteria: Invitae Variant Classification Sherloc (09022015). Collection method: clinical testing. Allele origin: germline.
Comment: This sequence change replaces arginine, which is basic and polar, with glutamine, which is neutral and polar, at codon 200 of the POMK protein (p.Arg200Gln). This variant is present in population databases (rs146214675, gnomAD 0.006%). This variant has not been reported in the literature in individuals affected with POMK-related conditions. ClinVar contains an entry for this variant (Variation ID: 570262). Advanced modeling of protein sequence and biophysical properties (such as structural, functional, and spatial information, amino acid conservation, physicochemical variation, residue mobility, and thermodynamic stability) performed at Invitae indicates that this missense variant is not expected to disrupt POMK protein function with a negative predictive value of 80%. In summary, the available evidence is currently insufficient to determine the role of this variant in disease. Therefore, it has been classified as a Variant of Uncertain Significance.

Revvity Omics, Revvity
Classification: Uncertain significance. Last evaluated: 2023-05-15. Review status: criteria provided, single submitter. Criteria: ACMG Guidelines, 2015. Collection method: clinical testing. Allele origin: germline.

NM_032237.5(POMK):c.599G>A (p.Arg200Gln)

Gene: POMK (protein O-mannose kinase; plus strand). Cytogenetic location: 8p11.21.
Variant type: single nucleotide variant.
Coding change: c.599G>A on transcript NM_032237.5 (MANE Select); coding-DNA position 599, G replaced by A.
Protein change: p.Arg200Gln; replaces arginine 200 with glutamine.
Molecular consequence: missense variant.
Genome position (GRCh38, 1-based): chr8:43,122,423, G>A. VCF-style: chr8-43122423-G-A. GRCh37 (hg19) VCF-style: chr8-42977566-G-A.
Other names: c.599G>A (NM_032237.3); c.599G>A, p.Arg200Gln (NM_001277971.2); short protein forms R200Q.
Identifiers: ClinVar variation 570262 (VCV000570262.6), dbSNP rs146214675, ClinGen allele CA4736314.
Genomic context (GRCh38, chr8:43,122,423, plus strand): 5'-AGCTGGCCATGGACTATGTCAGCATCATTAATTACCTGCACCACAGCCCTGTGGGCACAC[G>A]GGTCATGTGCGACTCCAACGACCTGCCGAAGACACTGTCCCAGTATCTGCTAACAAGCAA-3'
Protein context (NP_115613.1, residues 190-210): NYLHHSPVGT[Arg200Gln]VMCDSNDLPK